The following is an entry in ClinVar:

NM_031407.7(HUWE1):c.6722A>G (p.Asn2241Ser)

Gene: HUWE1 (HECT, UBA and WWE domain containing E3 ubiquitin protein ligase 1; minus strand). Cytogenetic location: Xp11.22.
Variant type: single nucleotide variant.
Coding change: c.6722A>G on transcript NM_031407.7 (MANE Select); coding-DNA position 6722, A replaced by G.
Protein change: p.Asn2241Ser; replaces asparagine 2241 with serine.
Molecular consequence: missense variant.
Genome position (GRCh38, 1-based): chrX:53,565,225, T>C on the plus strand (A>G on the coding strand, the complement: HUWE1 is on the minus strand). VCF-style: chrX-53565225-T-C. GRCh37 (hg19) VCF-style: chrX-53592186-T-C.
Other names: short protein forms N2241S.
Identifiers: ClinVar variation 2660623 (VCV002660623.25), dbSNP rs200014370, ClinGen allele CA10422048.

ClinVar aggregate classification (germline): Benign/Likely benign. Review status: criteria provided, multiple submitters, no conflicts (2 of 4 stars). 2 submissions from 2 submitters: Benign (1); Likely benign (1). Last evaluated 2025-03-11.

Allele frequency attached by ClinVar (database versions not stated): ExAC 0.00007; gnomAD exomes 0.00007; gnomAD 0.00009; TOPMed 0.00012.
gnomAD v4.1: 93 of 1,206,801 alleles (0.0077%); highest among the groups gnomAD compares: Middle Eastern, 0.046%; no homozygotes.

Submissions (2):

Labcorp Genetics (formerly Invitae), Labcorp
Classification: Benign. Last evaluated: 2025-03-11. Review status: criteria provided, single submitter. Criteria: Invitae Variant Classification Sherloc (09022015). Collection method: clinical testing. Allele origin: germline.

CeGaT Center for Human Genetics Tuebingen
Classification: Likely benign. Last evaluated: 2023-02-01. Review status: criteria provided, single submitter. Criteria: CeGaT Center For Human Genetics Tuebingen Variant Classification Criteria Version 2. Collection method: clinical testing. Allele origin: germline. Affected: yes. Observed: 1 variant allele.
Comment: HUWE1: PP2, BS2